The following is an entry in ClinVar:

ClinVar aggregate classification (germline): Likely pathogenic (1 of 4 stars; one submission).

Conditions:
Dilated cardiomyopathy 1G (CMD1G). Identifiers: Orphanet 154, MedGen C1858763, MONDO:0011400, OMIM 604145.
Autosomal recessive limb-girdle muscular dystrophy type 2J (LGMDR10). Also called: Limb-girdle muscular dystrophy, type 2J; MUSCULAR DYSTROPHY, LIMB-GIRDLE, AUTOSOMAL RECESSIVE 10. Identifiers: Orphanet 140922, MedGen C1837342, MONDO:0012127, OMIM 608807.

Submission:

Labcorp Genetics (formerly Invitae), Labcorp
Classification: Likely pathogenic for Dilated cardiomyopathy 1G; Autosomal recessive limb-girdle muscular dystrophy type 2J. Last evaluated: 2024-10-18. Review status: criteria provided, single submitter. Criteria: Invitae Variant Classification Sherloc (09022015). Collection method: clinical testing. Allele origin: germline.
Comment: This sequence change creates a premature translational stop signal (p.Leu13584Profs*5) in the TTN gene. While this is not anticipated to result in nonsense mediated decay, it is expected to create a truncated TTN protein. This variant is not present in population databases (gnomAD no frequency). This variant has not been reported in the literature in individuals affected with TTN-related conditions. ClinVar contains an entry for this variant (Variation ID: 1016977). This variant is located in the I band of TTN (PMID: 25589632). Truncating variants in this region have been reported in individuals affected with autosomal recessive centronuclear myopathy (PMID: 23975875, internal data). Truncating variants in this region have also been identified in individuals affected with autosomal dominant dilated cardiomyopathy and/or cardio-related conditions (PMID: 27869827, 32964742, internal data). In summary, the currently available evidence indicates that the variant is pathogenic, but additional data are needed to prove that conclusively. Therefore, this variant has been classified as Likely Pathogenic.

Literature cited by the submitters: PubMed 25589632; PubMed 23975875; PubMed 27869827; PubMed 32964742.

NM_001267550.2(TTN):c.40750dup (p.Leu13584fs)

Gene: TTN (titin; minus strand). Cytogenetic location: 2q31.2.
Variant type: Duplication.
Coding change: c.40750dup on transcript NM_001267550.2 (MANE Select); coding-DNA position 40750, one base duplicated (C; older notation c.40750dupC).
Protein change: p.Leu13584fs; shifts the reading frame from leucine 13584.
Molecular consequence: frameshift variant.
Genome position (GRCh38, 1-based): chr2:178,640,084, G duplicated on the plus strand (C on the coding strand, the reverse complement: TTN is on the minus strand). VCF-style (leftmost placement, unchanged base first): chr2-178640083-A-AG. GRCh37 (hg19) VCF-style: chr2-179504810-A-AG.
Other names: c.35827dup, p.Leu11943fs (NM_001256850.1); c.13555dup, p.Leu4519fs (NM_003319.4); c.33046dup, p.Leu11016fs (NM_133378.4); c.13930dup, p.Leu4644fs (NM_133432.3); c.14131dup, p.Leu4711fs (NM_133437.4); short protein forms L11016fs, L11943fs, L13584fs, L4519fs, L4644fs, L4711fs.
Identifiers: ClinVar variation 1016977 (VCV001016977.9), dbSNP rs2061028828, ClinGen allele CA1310558810.